The following is an entry in ClinVar:

NM_000059.4(BRCA2):c.5918del (p.Asn1973fs)

Gene: BRCA2 (BRCA2 DNA repair associated; plus strand). Cytogenetic location: 13q13.1.
Variant type: Deletion.
Coding change: c.5918del on transcript NM_000059.4 (MANE Select); coding-DNA position 5918, one base deleted (A; older notation c.5918delA).
Protein change: p.Asn1973fs; shifts the reading frame from asparagine 1973.
Molecular consequence: frameshift variant.
Genome position (GRCh38, 1-based): chr13:32,340,273, A deleted; the last of 3 consecutive A bases (chr13:32,340,271-32,340,273); deleting any one gives the same sequence. VCF-style (leftmost placement, unchanged base first): chr13-32340270-CA-C. GRCh37 (hg19) VCF-style: chr13-32914407-CA-C.
Other names: 6146delA; short protein forms N1973fs.
Identifiers: ClinVar variation 266903 (VCV000266903.5), dbSNP rs886040618, ClinGen allele CA10589336.

ClinVar aggregate classification (germline): Pathogenic. Review status: reviewed by expert panel (3 of 4 stars). 2 submissions from 2 submitters: Pathogenic (1). 1 of the submissions does not count toward it. Last evaluated 2016-10-18.

Conditions:
Breast-ovarian cancer, familial, susceptibility to, 2 (BROVCA2). Also called: BRCA2 Hereditary Breast and Ovarian Cancer. Identifiers: Orphanet 145, MedGen C2675520, MONDO:0012933, OMIM 612555. Disease mechanism: loss of function.

Submissions (2):

Evidence-based Network for the Interpretation of Germline Mutant Alleles (ENIGMA)
Classification: Pathogenic for Breast-ovarian cancer, familial, susceptibility to, 2. Last evaluated: 2016-10-18. Review status: reviewed by expert panel. Criteria: ENIGMA BRCA1/2 Classification Criteria (2015). Collection method: curation. Allele origin: germline.
Comment: Variant allele predicted to encode a truncated non-functional protein.

Consortium of Investigators of Modifiers of BRCA1/2 (CIMBA), c/o University of Cambridge
Classification: Pathogenic for Breast-ovarian cancer, familial, susceptibility to, 2. Last evaluated: 2015-10-02. Review status: criteria provided, single submitter. Criteria: CIMBA Mutation Classification guidelines May 2016. Collection method: clinical testing. Allele origin: germline. Not counted in ClinVar's aggregate classification.